The following is an entry in ClinVar:

ClinVar aggregate classification (germline): Benign/Likely benign. Review status: criteria provided, multiple submitters, no conflicts (2 of 4 stars). 15 submissions from 15 submitters: Benign (5); Likely benign (9). 1 of the submissions does not count toward it. Last evaluated 2026-03-01.

Conditions:
Tuberous sclerosis syndrome (TSC). Also called: Tuberous Sclerosis Complex; Tuberous sclerosis. Identifiers: Orphanet 805, MedGen C0041341, MONDO:0001734.
TSC2-related disorder. Also called: TSC2-Related Disorders; TSC2-related condition.
Hereditary cancer-predisposing syndrome. Also called: Tumor predisposition; Neoplastic Syndromes, Hereditary; Hereditary Cancer Syndrome; Hereditary neoplastic syndrome. Identifiers: Orphanet 140162, MedGen C0027672, MeSH D009386, MONDO:0015356.
Tuberous sclerosis 2 (TSC2). Identifiers: Orphanet 805, MedGen C1860707, MONDO:0013199, OMIM 613254.
Lymphangiomyomatosis (LAM). Also called: Lymphangioleiomyomatosis; Lymphangioleiomyomatosis, somatic. Identifiers: Orphanet 538, MedGen C0751674, MONDO:0011705, OMIM 606690.

Allele frequency attached by ClinVar (database versions not stated): TOPMed 0.00008; gnomAD exomes 0.00015 and 0.00029; gnomAD 0.00029 and 0.00030; ExAC 0.00036.

Submissions (15):

CeGaT Center for Human Genetics Tuebingen
Classification: Likely benign. Last evaluated: 2026-03-01. Review status: criteria provided, single submitter. Criteria: CeGaT Center For Human Genetics Tuebingen Variant Classification Criteria Version 2. Collection method: clinical testing. Allele origin: germline. Affected: yes. Observed: 7 variant alleles.
Comment: TSC2: BS1

Labcorp Genetics (formerly Invitae), Labcorp
Classification: Benign for Tuberous sclerosis 2. Last evaluated: 2026-01-26. Review status: criteria provided, single submitter. Criteria: Invitae Variant Classification Sherloc (09022015). Collection method: clinical testing. Allele origin: germline.

Myriad Genetics, Inc.
Classification: Likely benign for Tuberous sclerosis 2. Last evaluated: 2025-05-13. Review status: criteria provided, single submitter. Criteria: Myriad Autosomal Dominant, Autosomal Recessive and X-Linked Classification Criteria (2023). Collection method: clinical testing. Allele origin: unknown.
Comment: This variant is considered likely benign. This variant has been observed at a population frequency that is significantly greater than expected given the associated disease prevalence and penetrance.

Laboratory of Genetics, Children's Clinical University Hospital Latvia
Classification: Likely benign. Last evaluated: 2025-02-16. Review status: criteria provided, single submitter. Criteria: ACMG Guidelines, 2015. Collection method: clinical testing. Allele origin: germline. Affected: yes.

Blueprint Genetics
Classification: Likely benign. Last evaluated: 2024-10-17. Review status: criteria provided, single submitter. Criteria: ACMG Guidelines, 2015. Collection method: clinical testing. Allele origin: germline.

All of Us Research Program, National Institutes of Health
Classification: Likely benign for Tuberous sclerosis syndrome. Last evaluated: 2024-08-29. Review status: criteria provided, single submitter. Criteria: ACMG Guidelines, 2015. Collection method: clinical testing. Allele origin: germline. Inheritance: Autosomal dominant inheritance. Observed: 59 variant alleles, 59 heterozygotes.
Comment: This study involves interpretation of variants in research participants for the purpose of population health screening. Participant phenotype was not available at the time of variant classification. Additional details can be found in publication PMID: 35346344, PMCID: PMC8962531

Color Diagnostics, LLC DBA Color Health
Classification: Likely benign for Tuberous sclerosis syndrome. Last evaluated: 2022-08-31. Review status: criteria provided, single submitter. Criteria: ACMG Guidelines, 2015. Collection method: clinical testing. Allele origin: germline.

Genome-Nilou Lab
Classification: Benign for Tuberous sclerosis 2. Last evaluated: 2021-11-07. Review status: criteria provided, single submitter. Criteria: ACMG Guidelines, 2015. Collection method: clinical testing. Allele origin: germline. Affected: no.

Sema4
Classification: Benign for Hereditary cancer-predisposing syndrome. Last evaluated: 2020-12-16. Review status: criteria provided, single submitter. Criteria: Sema4 Curation Guidelines. Collection method: curation. Allele origin: germline.

GeneDx
Classification: Benign. Last evaluated: 2020-08-26. Review status: criteria provided, single submitter. Criteria: GeneDx Variant Classification Process June 2021. Collection method: clinical testing. Allele origin: germline. Affected: yes.
Comment: This variant is associated with the following publications: (PMID: 32555378, 23514105, 25862857, 22558107)

Centre for Mendelian Genomics, University Medical Centre Ljubljana
Classification: Likely benign for Lymphangiomyomatosis. Last evaluated: 2019-06-21. Review status: criteria provided, single submitter. Criteria: ACMG Guidelines, 2015. Collection method: clinical testing. Allele origin: unknown. Affected: yes.
Comment: This variant was classified as: Likely benign. The following ACMG criteria were applied in classifying this variant: PP3,BP6,BS1.

Ambry Genetics
Classification: Likely benign for Hereditary cancer-predisposing syndrome. Last evaluated: 2018-06-04. Review status: criteria provided, single submitter. Criteria: Ambry Variant Classification Scheme 2023. Collection method: clinical testing. Allele origin: germline.

Athena Diagnostics
Classification: Benign. Last evaluated: 2018-04-24. Review status: criteria provided, single submitter. Criteria: Athena Diagnostics Criteria. Collection method: clinical testing. Allele origin: germline.

Illumina Laboratory Services, Illumina
Classification: Likely benign for Tuberous sclerosis syndrome. Last evaluated: 2018-01-12. Review status: criteria provided, single submitter. Criteria: ICSL Variant Classification Criteria 13 December 2019. Collection method: clinical testing. Allele origin: germline.
Comment: This variant was observed in the ICSL laboratory as part of a predisposition screen in an ostensibly healthy population. It had not been previously curated by ICSL or reported in the Human Gene Mutation Database (HGMD: prior to June 1st, 2018), and was therefore a candidate for classification through an automated scoring system. Utilizing variant allele frequency, disease prevalence and penetrance estimates, and inheritance mode, an automated score was calculated to assess if this variant is too frequent to cause the disease. Based on the score and internal cut-off values, a variant classified as likely benign is not then subjected to further curation. The score for this variant resulted in a classification of likely benign for this disease.

PreventionGenetics, part of Exact Sciences
Classification: Likely benign for TSC2-related condition. Last evaluated: 2019-07-15. Review status: no assertion criteria provided. Collection method: clinical testing. Allele origin: germline. Not counted in ClinVar's aggregate classification.
Comment: This variant is classified as likely benign based on ACMG/AMP sequence variant interpretation guidelines (Richards et al. 2015 PMID: 25741868, with internal and published modifications).

Literature cited by the submitters: PubMed 22558107 (cited by Ambry Genetics and Athena Diagnostics); PubMed 25862857 (cited by Ambry Genetics and Athena Diagnostics); PubMed 23514105 (cited by Athena Diagnostics).

NM_000548.5(TSC2):c.1292C>T (p.Ala431Val)

Gene: TSC2 (TSC complex subunit 2; plus strand). Cytogenetic location: 16p13.3.
Variant type: single nucleotide variant.
Coding change: c.1292C>T on transcript NM_000548.5 (MANE Select); coding-DNA position 1292, C replaced by T.
Protein change: p.Ala431Val; replaces alanine 431 with valine.
Molecular consequence: missense variant.
Genome position (GRCh38, 1-based): chr16:2,062,531, C>T. VCF-style: chr16-2062531-C-T. GRCh37 (hg19) VCF-style: chr16-2112532-C-T.
Other names: p.A431V:GCG>GTG; c.1292C>T (NM_000548.4); c.1292C>T, p.Ala431Val (NM_001077183.3, NM_001114382.3, NM_001363528.2 and 3 more transcripts); c.1181C>T, p.Ala394Val (NM_001318827.2); c.1145C>T, p.Ala382Val (NM_001318829.2); c.692C>T, p.Ala231Val (NM_001318831.2); c.1325C>T, p.Ala442Val (NM_001318832.2); short protein forms A431V, A382V, A442V, A231V, A394V.
Identifiers: ClinVar variation 207708 (VCV000207708.68), dbSNP rs202187148, ClinGen allele CA029172.
Genomic context (GRCh38, chr16:2,062,531, plus strand): 5'-GGCAACACCGGCTCTTCTTTTGACAGGAGTCCTCCCTCCTGAACCTGATCTCCTATAGAG[C>T]GCAGTCCATCCACCCGGCCAAGGACGGCTGGATTCAGAACCTGCAGGCGCTGATGGAGAG-3'
Protein context (NP_000539.2, residues 421-441): SSLLNLISYR[Ala431Val]QSIHPAKDGW